The following is an entry in ClinVar:

ClinVar aggregate classification (germline): Uncertain significance (1 of 4 stars; one submission).

Submission:

Mayo Clinic Laboratories, Mayo Clinic
Classification: Uncertain significance. Last evaluated: 2025-10-29. Review status: criteria provided, single submitter. Criteria: ACMG Guidelines, 2015. Collection method: clinical testing. Allele origin: germline. Observed: 1 variant allele.
Comment: PM2_supporting

NM_198253.3(TERT):c.220-1_224dup

Genes: TERT (telomerase reverse transcriptase; minus strand), LOC110806263 (TERT 5' regulatory region; plus strand). Cytogenetic location: 5p15.33.
Variant type: Duplication.
Coding change: c.220-1_224dup on transcript NM_198253.3 (MANE Select); the canonical splice acceptor site of the intron before coding-DNA position 220 through coding-DNA position 224, 6 bases duplicated (GGTGTC; older notation c.220-1_224dupGGTGTC).
Molecular consequence: splice acceptor variant.
Genome position (GRCh38, 1-based): chr5:1,294,662-1,294,667, GACACC duplicated on the plus strand (GGTGTC on the coding strand, the reverse complement: TERT is on the minus strand). VCF-style (leftmost placement, unchanged base first): chr5-1294661-G-GGACACC. GRCh37 (hg19) VCF-style: chr5-1294776-G-GGACACC.
Other names: p.Val74_Ser75dup; c.220-1_224dup (NM_001193376.3).
Identifiers: ClinVar variation 4541032 (VCV004541032.1).